The following is an entry in ClinVar:

ClinVar aggregate classification (germline): Uncertain significance (1 of 4 stars; one submission).

Conditions:
RASopathy. Also called: rasopathies; Noonan spectrum disorder. Identifiers: Orphanet 536391, MedGen C5555857, MONDO:0021060.

Submission:

Labcorp Genetics (formerly Invitae), Labcorp
Classification: Uncertain significance for RASopathy. Last evaluated: 2024-07-15. Review status: criteria provided, single submitter. Criteria: Invitae Variant Classification Sherloc (09022015). Collection method: clinical testing. Allele origin: germline.
Comment: This sequence change replaces alanine, which is neutral and non-polar, with glycine, which is neutral and non-polar, at codon 26 of the SOS1 protein (p.Ala26Gly). Information on the frequency of this variant in the gnomAD database is not available, as this variant may be reported differently in the database. This variant has not been reported in the literature in individuals affected with SOS1-related conditions. An algorithm developed to predict the effect of missense changes on protein structure and function (PolyPhen-2) suggests that this variant is likely to be tolerated. In summary, the available evidence is currently insufficient to determine the role of this variant in disease. Therefore, it has been classified as a Variant of Uncertain Significance.

NM_005633.4(SOS1):c.77_78delinsGT (p.Ala26Gly)

Genes: SOS1 (SOS Ras/Rac guanine nucleotide exchange factor 1; minus strand), LOC129933535 (ATAC-STARR-seq lymphoblastoid silent region 11384; plus strand). Cytogenetic location: 2p22.1.
Variant type: Indel.
Coding change: c.77_78delinsGT on transcript NM_005633.4 (MANE Select); coding-DNA positions 77 to 78, CG replaced by GT.
Protein change: p.Ala26Gly; replaces alanine 26 with glycine.
Molecular consequence: missense variant. On other transcripts: intron variant (1).
Genome position (GRCh38, 1-based): chr2:39,120,345-39,120,346, CG replaced by AC on the plus strand (CG replaced by GT on the coding strand, the reverse complement: SOS1 is on the minus strand). VCF-style: chr2-39120345-CG-AC. GRCh37 (hg19) VCF-style: chr2-39347486-CG-AC.
Other names: c.77_78delinsGT, p.Ala26Gly (NM_001382395.1); c.66+4318_66+4319delinsGT (NM_001382394.1); short protein forms A26G.
Identifiers: ClinVar variation 3659514 (VCV003659514.2).